The following is an entry in ClinVar:

ClinVar aggregate classification (germline): Pathogenic/Likely pathogenic. Review status: criteria provided, multiple submitters, no conflicts (2 of 4 stars). 7 submissions from 6 submitters: Pathogenic (4); Likely pathogenic (1). 2 of the submissions do not count toward it. Last evaluated 2024-01-11.

Conditions:
UGT1A1-related disorder. Also called: UGT1A1-related condition; UGT1A1-related disorders.
Inborn genetic diseases. Identifiers: MedGen C0950123, MeSH D030342.
Crigler-Najjar syndrome type 1. Also called: HYPERBILIRUBINEMIA, CRIGLER-NAJJAR TYPE I. Identifiers: Orphanet 79234, MedGen C0010324, MONDO:0021020, OMIM 218800.
Gilbert syndrome. Also called: HYPERBILIRUBINEMIA, GILBERT TYPE; Gilbert's syndrome; Gilbert Disease; HYPERBILIRUBINEMIA I; HYPERBILIRUBINEMIA, ARIAS TYPE. Identifiers: MedGen C0017551, MONDO:0007745, OMIM 143500.

Submissions (7):

Blueprint Genetics
Classification: Pathogenic for UGT1A1-related disorders. Last evaluated: 2024-01-11. Review status: criteria provided, single submitter. Criteria: ACMG Guidelines, 2015. Collection method: clinical testing. Allele origin: germline. Affected: yes. Observed: 3 variant alleles.

Revvity Omics, Revvity
Classification: Pathogenic. Last evaluated: 2023-05-25. Review status: criteria provided, single submitter. Criteria: ACMG Guidelines, 2015. Collection method: clinical testing. Allele origin: germline.

Neuberg Centre For Genomic Medicine, NCGM
Classification: Pathogenic for Crigler-Najjar syndrome type 1. Last evaluated: 2023-05-20. Review status: criteria provided, single submitter. Criteria: ACMG Guidelines, 2015. Collection method: clinical testing. Allele origin: germline. Inheritance: Autosomal recessive inheritance. Affected: yes.
Comment: The observed frameshift variant c.353dup (p.Asp119GlyfsTer28) in UGT1A1 gene has been submitted to the ClinVar database as Pathogenic (multiple submissions). The p.Asp119GlyfsTer28 variant is present with an allele frequency of 0.0008% in gnomAD exomes database. This variant causes a frameshift starting with codon Aspartic Acid 119, changes this amino acid to Glycine residue, and creates a premature Stop codon at position 28 of the new reading frame, denoted p.Asp119GlyfsTer28. This variant is predicted to cause loss of normal protein function through protein truncation. Loss of function variants have been previously reported to be disease causing. Multiple downstream frameshift variants on exon 1 have previously been reported to be pathogenic. For these reasons, this variant has been classified as Pathogenic.

Ambry Genetics
Classification: Pathogenic for Inborn genetic diseases. Last evaluated: 2016-11-16. Review status: criteria provided, single submitter. Criteria: Ambry exome assertion method (8-5-2015). Collection method: clinical testing. Allele origin: germline. Affected: yes. Observed: 1 variant allele.

Neuberg Centre For Genomic Medicine, NCGM
Classification: Likely pathogenic for Gilbert syndrome. Review status: criteria provided, single submitter. Criteria: ACMG Guidelines, 2015. Collection method: clinical testing. Allele origin: germline. Inheritance: Autosomal recessive inheritance. Affected: yes.

PreventionGenetics, part of Exact Sciences
Classification: Pathogenic for UGT1A1-related condition. Last evaluated: 2023-12-07. Review status: no assertion criteria provided. Collection method: clinical testing. Allele origin: germline. Not counted in ClinVar's aggregate classification.
Comment: The UGT1A1 c.353dupA variant is predicted to result in a frameshift and premature protein termination (p.Asp119Glyfs*28). This variant has been reported in the homozygous state in a patient with type I Crigler-Najjar syndrome (Wang et al. 2011. PubMed ID: 22340355). This variant is reported in 0.0065% of alleles in individuals of South Asian descent in gnomAD. Frameshift variants in UGT1A1 are expected to be pathogenic. This variant is interpreted as pathogenic.

Foundation for Research in Genetics and Endocrinology, FRIGE's Institute of Human Genetics
Classification: Pathogenic for Crigler-Najjar syndrome type 1. Last evaluated: 2019-02-26. Review status: no assertion criteria provided. Collection method: clinical testing. Allele origin: germline. Inheritance: Autosomal recessive inheritance. Affected: yes. Observed: 1 homozygote. Not counted in ClinVar's aggregate classification.
Comment: The observed variant NM_000463.2:c.353dupA/p.D119G fs*28 in exon 1 of the UTG1A1 gene has not been reported in the 1000 Genomes and ExAC databases. The in silico prediction of this variant is disease causing by MutationTaster2.

NM_000463.3(UGT1A1):c.353dup (p.Asp119fs)

Genes: UGT1A1 (UDP glucuronosyltransferase family 1 member A1; plus strand), UGT1A10 (UDP glucuronosyltransferase family 1 member A10; plus strand), UGT1A3 (UDP glucuronosyltransferase family 1 member A3; plus strand), UGT1A4 (UDP glucuronosyltransferase family 1 member A4; plus strand), UGT1A5 (UDP glucuronosyltransferase family 1 member A5; plus strand) and 5 more. Cytogenetic location: 2q37.1.
Variant type: Duplication.
Coding change: c.353dup on transcript NM_000463.3 (MANE Select); coding-DNA position 353, one base duplicated (A; older notation c.353dupA).
Protein change: p.Asp119fs; shifts the reading frame from aspartic acid 119.
Molecular consequence: frameshift variant. On other transcripts: intron variant (9).
Genome position (GRCh38, 1-based): chr2:233,760,640, A duplicated; the last of 6 consecutive A bases (chr2:233,760,635-233,760,640); duplicating any one gives the same sequence. VCF-style (leftmost placement, unchanged base first): chr2-233760634-T-TA. GRCh37 (hg19) VCF-style: chr2-234669280-T-TA.
Other names: D119G fs*28; c.353dupA (NM_000463.2); c.856-6394dup (NM_019076.5, NM_019075.4, NM_021027.3 and 1 more transcripts); c.61-6394dup (NM_205862.3); c.862-6394dup (NM_001072.4); c.868-6394dup (NM_019078.2, NM_007120.3, NM_019093.4); short protein forms D119fs.
Identifiers: ClinVar variation 266037 (VCV000266037.13), dbSNP rs748219743, ClinGen allele CA2179811.
Genomic context (GRCh38, chr2:233,760,634, plus strand): 5'-GGCATAATGTTTTTGAGAATGATTCTTTCCTGCAGCGTGTGATCAAAACATACAAGAAAA[T>TA]AAAAAAGGACTCTGCTATGCTTTTGTCTGGCTGTTCCCACTTACTGCACAACAAGGAGCT-3'